The following is an entry in ClinVar:

NM_005120.3(MED12):c.846+5G>A

Gene: MED12 (mediator complex subunit 12; plus strand). Cytogenetic location: Xq13.1.
Variant type: single nucleotide variant.
Coding change: c.846+5G>A on transcript NM_005120.3 (MANE Select); 5 bases into the intron after coding-DNA position 846, G replaced by A.
Molecular consequence: intron variant.
Genome position (GRCh38, 1-based): chrX:71,121,442, G>A. VCF-style: chrX-71121442-G-A. GRCh37 (hg19) VCF-style: chrX-70341292-G-A.
Identifiers: ClinVar variation 3370576 (VCV003370576.1).

ClinVar aggregate classification (germline): Uncertain significance (1 of 4 stars; one submission).

Submission:

GeneDx
Classification: Uncertain significance. Last evaluated: 2024-03-12. Review status: criteria provided, single submitter. Criteria: GeneDx Variant Classification Process June 2021. Collection method: clinical testing. Allele origin: germline. Affected: yes.
Comment: Not observed at significant frequency in large population cohorts (gnomAD); Intronic +5 splice site variant in a gene for which loss of function is a known mechanism of disease, and both splice predictors and evolutionary conservation support a deleterious effect, although in the absence of functional evidence the actual effect of this sequence change is unknown.; Has not been previously published as pathogenic or benign to our knowledge